The following is an entry in ClinVar:

NM_025179.4(PLXNA2):c.4326C>T (p.Phe1442=)

Gene: PLXNA2 (plexin A2; minus strand). Cytogenetic location: 1q32.2.
Variant type: single nucleotide variant.
Coding change: c.4326C>T on transcript NM_025179.4 (MANE Select); coding-DNA position 4326, C replaced by T.
Protein change: p.Phe1442=; no amino-acid change (phenylalanine 1442 retained).
Molecular consequence: synonymous variant.
Genome position (GRCh38, 1-based): chr1:208,040,019, G>A on the plus strand (C>T on the coding strand, the complement: PLXNA2 is on the minus strand). VCF-style: chr1-208040019-G-A. GRCh37 (hg19) VCF-style: chr1-208213364-G-A.
Identifiers: ClinVar variation 3358806 (VCV003358806.1).
Genomic context (GRCh38, chr1:208,040,019, plus strand): 5'-GGACGCTAGGCCCCGTCTCACTCCCTTTCTCACCTTTAGGAACTTGTGCAGGAGGAAGGC[G>A]AACCAATTGGTCAGCATCTTTTCAGCCACAGACTCTGTCCTGGGGAAGGGACAAAGGGTA-3'
Protein context (NP_079455.3, residues 1432-1452): SVAEKMLTNW[Phe1442=]AFLLHKFLKE

ClinVar aggregate classification (germline): Likely benign (0 of 4 stars; one submission).

Conditions:
PLXNA2-related disorder. Also called: PLXNA2-related condition.

gnomAD v4.1: 25 of 1,614,114 alleles (0.0015%); highest among the groups gnomAD compares: South Asian, 0.0088%; no homozygotes.

Submission:

PreventionGenetics, part of Exact Sciences
Classification: Likely benign for PLXNA2-related condition. Last evaluated: 2023-10-27. Review status: no assertion criteria provided. Collection method: clinical testing. Allele origin: germline.
Comment: This variant is classified as likely benign based on ACMG/AMP sequence variant interpretation guidelines (Richards et al. 2015 PMID: 25741868, with internal and published modifications).